The following is an entry in ClinVar:

ClinVar aggregate classification (germline): Uncertain significance (1 of 4 stars; one submission).

Submission:

Labcorp Genetics (formerly Invitae), Labcorp
Classification: Uncertain significance. Last evaluated: 2022-09-29. Review status: criteria provided, single submitter. Criteria: Invitae Variant Classification Sherloc (09022015). Collection method: clinical testing. Allele origin: germline.
Comment: In summary, the available evidence is currently insufficient to determine the role of this variant in disease. Therefore, it has been classified as a Variant of Uncertain Significance. Advanced modeling of protein sequence and biophysical properties (such as structural, functional, and spatial information, amino acid conservation, physicochemical variation, residue mobility, and thermodynamic stability) performed at Invitae indicates that this missense variant is not expected to disrupt ITPR1 protein function. This variant has not been reported in the literature in individuals affected with ITPR1-related conditions. This variant is not present in population databases (gnomAD no frequency). This sequence change replaces arginine, which is basic and polar, with leucine, which is neutral and non-polar, at codon 361 of the ITPR1 protein (p.Arg361Leu).

NM_001378452.1(ITPR1):c.1127G>T (p.Arg376Leu)

Gene: ITPR1 (inositol 1,4,5-trisphosphate receptor type 1; plus strand). Cytogenetic location: 3p26.1.
Variant type: single nucleotide variant.
Coding change: c.1127G>T on transcript NM_001378452.1 (MANE Select); coding-DNA position 1127, G replaced by T.
Protein change: p.Arg376Leu; replaces arginine 376 with leucine.
Molecular consequence: missense variant.
Genome position (GRCh38, 1-based): chr3:4,658,254, G>T. VCF-style: chr3-4658254-G-T. GRCh37 (hg19) VCF-style: chr3-4699938-G-T.
Other names: c.1127G>T, p.Arg376Leu (NM_001099952.4); c.1082G>T, p.Arg361Leu (NM_001168272.2, NM_002222.7); short protein forms R361L, R376L.
Identifiers: ClinVar variation 2132849 (VCV002132849.4), dbSNP rs1260045423, ClinGen allele CA351639927.